The following is an entry in ClinVar:

ClinVar aggregate classification (germline): Benign/Likely benign. Review status: criteria provided, multiple submitters, no conflicts (2 of 4 stars). 6 submissions from 6 submitters: Benign (1); Likely benign (4). 1 of the submissions does not count toward it. Last evaluated 2026-02-01.

Conditions:
MEF2C-related disorder. Also called: MEF2C-related condition; MEF2C-related disorders. Identifiers: MedGen CN381096.
Inborn genetic diseases. Identifiers: MedGen C0950123, MeSH D030342.
Neurodevelopmental disorder with hypotonia, stereotypic hand movements, and impaired language. Also called: Intellectual disability, autosomal dominant 20. Identifiers: Orphanet 228384, Orphanet 664410, MedGen C3150700, MONDO:0013266, OMIM 613443.

Allele frequency attached by ClinVar (database versions not stated): gnomAD 0.00004; TOPMed 0.00004; gnomAD exomes 0.00006 and 0.00009; ExAC 0.00007.
gnomAD v4.1: 138 of 1,613,840 alleles (0.0086%); highest among the groups gnomAD compares: Non-Finnish European, 0.011%; no homozygotes.

Submissions (6):

CeGaT Center for Human Genetics Tuebingen
Classification: Likely benign. Last evaluated: 2026-02-01. Review status: criteria provided, single submitter. Criteria: CeGaT Center For Human Genetics Tuebingen Variant Classification Criteria Version 2. Collection method: clinical testing. Allele origin: germline. Affected: yes. Observed: 2 variant alleles.
Comment: MEF2C: BP4, BS1

Labcorp Genetics (formerly Invitae), Labcorp
Classification: Likely benign for Neurodevelopmental disorder with hypotonia, stereotypic hand movements, and impaired language. Last evaluated: 2026-01-26. Review status: criteria provided, single submitter. Criteria: Invitae Variant Classification Sherloc (09022015). Collection method: clinical testing. Allele origin: germline.

Genetic Services Laboratory, University of Chicago
Classification: Likely benign. Last evaluated: 2018-05-11. Review status: criteria provided, single submitter. Criteria: ACMG Guidelines, 2015. Collection method: clinical testing. Allele origin: germline. Affected: no.

Ambry Genetics
Classification: Likely benign for Inborn genetic diseases. Last evaluated: 2018-03-13. Review status: criteria provided, single submitter. Criteria: Ambry Variant Classification Scheme 2023. Collection method: clinical testing. Allele origin: germline.

GeneDx
Classification: Benign. Last evaluated: 2014-03-26. Review status: criteria provided, single submitter. Criteria: GeneDx Variant Classification (06012015). Collection method: clinical testing. Allele origin: germline. Affected: yes.
Comment: This variant is considered likely benign or benign based on one or more of the following criteria: it is a conservative change, it occurs at a poorly conserved position in the protein, it is predicted to be benign by multiple in silico algorithms, and/or has population frequency not consistent with disease.

PreventionGenetics, part of Exact Sciences
Classification: Likely benign for MEF2C-related condition. Last evaluated: 2019-10-07. Review status: no assertion criteria provided. Collection method: clinical testing. Allele origin: germline. Not counted in ClinVar's aggregate classification.
Comment: This variant is classified as likely benign based on ACMG/AMP sequence variant interpretation guidelines (Richards et al. 2015 PMID: 25741868, with internal and published modifications).

NM_002397.5(MEF2C):c.312C>T (p.Asp104=)

Gene: MEF2C (myocyte enhancer factor 2C; minus strand). Cytogenetic location: 5q14.3.
Variant type: single nucleotide variant.
Coding change: c.312C>T on transcript NM_002397.5 (MANE Select); coding-DNA position 312, C replaced by T.
Protein change: p.Asp104=; no amino-acid change (aspartic acid 104 retained).
Molecular consequence: synonymous variant. On other transcripts: 5 prime UTR variant (2), intron variant (10).
Genome position (GRCh38, 1-based): chr5:88,761,275, G>A on the plus strand (C>T on the coding strand, the complement: MEF2C is on the minus strand). VCF-style: chr5-88761275-G-A. GRCh37 (hg19) VCF-style: chr5-88057092-G-A.
Other names: p.D104D:GAC>GAT; c.312C>T, p.Asp104= (NM_001193347.1, NM_001193350.2, NM_001308002.3 and 20 more transcripts); c.-67C>T (NM_001364353.2, NM_001364356.2); c.259-9232C>T (NM_001364344.2, NM_001364354.2, NM_001364332.2 and 3 more transcripts); c.259-150C>T (NM_001131005.2, NM_001364352.2, NM_001364343.2); c.-24-9232C>T (NM_001364357.2).
Identifiers: ClinVar variation 138202 (VCV000138202.32), dbSNP rs587781034, ClinGen allele CA292045.